The following is an entry in ClinVar:

ClinVar aggregate classification (germline): Likely pathogenic (1 of 4 stars; one submission).

Conditions:
Duchenne muscular dystrophy (DMD). Also called: Duchenne Muscular Dystrophy (DMD); MUSCULAR DYSTROPHY, PSEUDOHYPERTROPHIC PROGRESSIVE, DUCHENNE TYPE. Identifiers: Orphanet 98896, MedGen C0013264, MONDO:0010679, OMIM 310200.

Submission:

3billion
Classification: Likely pathogenic for Duchenne muscular dystrophy. Last evaluated: 2023-11-10. Review status: criteria provided, single submitter. Criteria: ACMG Guidelines, 2015. Collection method: clinical testing. Allele origin: germline. Affected: yes.
Comment: The variant is not observed in the gnomAD v2.1.1 dataset. Predicted Consequence/Location: Stop-gained (nonsense): predicted to result in a loss or disruption of normal protein function through nonsense-mediated decay (NMD) or protein truncation. Multiple pathogenic variants are reported downstream of the variant. Therefore, this variant is classified as Likely pathogenic according to the recommendation of ACMG/AMP guideline.

NM_004006.3(DMD):c.10080C>A (p.Cys3360Ter)

Gene: DMD (dystrophin; minus strand). Cytogenetic location: Xp21.2.
Variant type: single nucleotide variant.
Coding change: c.10080C>A on transcript NM_004006.3 (MANE Select); coding-DNA position 10080, C replaced by A.
Protein change: p.Cys3360Ter; replaces cysteine 3360 with a stop codon.
Molecular consequence: nonsense.
Genome position (GRCh38, 1-based): chrX:31,180,376, G>T on the plus strand (C>A on the coding strand, the complement: DMD is on the minus strand). VCF-style: chrX-31180376-G-T. GRCh37 (hg19) VCF-style: chrX-31198493-G-T.
Other names: c.10056C>A, p.Cys3352Ter (NM_000109.4); c.10068C>A, p.Cys3356Ter (NM_004009.3); c.9711C>A, p.Cys3237Ter (NM_004010.3); c.6057C>A, p.Cys2019Ter (NM_004011.4); c.6048C>A, p.Cys2016Ter (NM_004012.4); c.2700C>A, p.Cys900Ter (NM_004013.3, NM_004020.4, NM_004021.3 and 2 more transcripts); c.1893C>A, p.Cys631Ter (NM_004014.3); c.876C>A, p.Cys292Ter (NM_004015.3, NM_004016.3, NM_004017.3 and 2 more transcripts); short protein forms C2016*, C2019*, C292*, C3237*, C3352*, C3356*, C3360*, C631*.
Identifiers: ClinVar variation 3775698 (VCV003775698.1).